The following is an entry in ClinVar:

NM_000038.6(APC):c.7942G>A (p.Ala2648Thr)

Gene: APC (APC regulator of Wnt signaling pathway; plus strand). Cytogenetic location: 5q22.2.
Variant type: single nucleotide variant.
Coding change: c.7942G>A on transcript NM_000038.6 (MANE Select); coding-DNA position 7942, G replaced by A.
Protein change: p.Ala2648Thr; replaces alanine 2648 with threonine.
Molecular consequence: missense variant.
Genome position (GRCh38, 1-based): chr5:112,843,536, G>A. VCF-style: chr5-112843536-G-A. GRCh37 (hg19) VCF-style: chr5-112179233-G-A.
Other names: c.7942G>A, p.Ala2648Thr (NM_001127510.3, NM_001354895.2); c.7888G>A, p.Ala2630Thr (NM_001127511.3); c.7996G>A, p.Ala2666Thr (NM_001354896.2); c.7972G>A, p.Ala2658Thr (NM_001354897.2); c.7867G>A, p.Ala2623Thr (NM_001354898.2); c.7858G>A, p.Ala2620Thr (NM_001354899.2); c.7819G>A, p.Ala2607Thr (NM_001354900.2); c.7765G>A, p.Ala2589Thr (NM_001354901.2); and 5 more; short protein forms A2630T, A2648T, A2666T, A2365T, A2547T, A2589T, A2623T, A2488T.
Identifiers: ClinVar variation 583100 (VCV000583100.12), dbSNP rs1195417407, ClinGen allele CA16038579.

ClinVar aggregate classification (germline): Conflicting classifications of pathogenicity. Review status: criteria provided, conflicting classifications (1 of 4 stars). 5 submissions from 5 submitters: Uncertain significance (4); Likely benign (1). Last evaluated 2025-12-17.

Conditions:
Familial adenomatous polyposis 1 (FAP1). Also called: FAMILIAL ADENOMATOUS POLYPOSIS 1, ATTENUATED; POLYPOSIS, ADENOMATOUS INTESTINAL. Identifiers: MedGen C2713442, MONDO:0021056, OMIM 175100. Disease mechanism: loss of function.
Hereditary cancer-predisposing syndrome. Also called: Neoplastic Syndromes, Hereditary; Hereditary Cancer Syndrome; Tumor predisposition; Hereditary neoplastic syndrome. Identifiers: Orphanet 140162, MedGen C0027672, MeSH D009386, MONDO:0015356.

Submissions (5):

Labcorp Genetics (formerly Invitae), Labcorp
Classification: Likely benign for Familial adenomatous polyposis 1. Last evaluated: 2025-12-17. Review status: criteria provided, single submitter. Criteria: Invitae Variant Classification Sherloc (09022015). Collection method: clinical testing. Allele origin: germline.

GeneDx
Classification: Uncertain significance. Last evaluated: 2023-12-29. Review status: criteria provided, single submitter. Criteria: GeneDx Variant Classification Process June 2021. Collection method: clinical testing. Allele origin: germline. Affected: yes.
Comment: Not observed at significant frequency in large population cohorts (gnomAD); In silico analysis supports that this missense variant does not alter protein structure/function; Has not been previously published as pathogenic or benign to our knowledge; This variant is associated with the following publications: (PMID: 18199528)

Ambry Genetics
Classification: Uncertain significance for Hereditary cancer-predisposing syndrome. Last evaluated: 2022-09-07. Review status: criteria provided, single submitter. Criteria: Ambry Variant Classification Scheme 2023. Collection method: clinical testing. Allele origin: germline.
Comment: The p.A2648T variant (also known as c.7942G>A), located in coding exon 15 of the APC gene, results from a G to A substitution at nucleotide position 7942. The alanine at codon 2648 is replaced by threonine, an amino acid with similar properties. This amino acid position is well conserved in available vertebrate species. In addition, in silico predictors for this gene do not accurately predict pathogenicity. Since supporting evidence is limited at this time, the clinical significance of this alteration remains unclear.

Sema4
Classification: Uncertain significance for Hereditary cancer-predisposing syndrome. Last evaluated: 2021-07-09. Review status: criteria provided, single submitter. Criteria: Sema4 Curation Guidelines. Collection method: curation. Allele origin: germline.
Comment: The APC c.7942G>A (p.A2648T) variant has not been reported in the literature to our knowledge. It was not observed in the large and broad cohorts of the Genome Aggregation Database (PMID: 32461654). The variant has been reported in ClinVar (Variation ID: 583100). In silico tools suggest the impact of the variant on protein function is inconclusive, though these predictions have not been confirmed by functional studies. The evidence is insufficient to meet ACMG/AMP criteria for classifying the variant as benign or pathogenic. Thus, the clinical significance of this variant is currently uncertain.

Mendelics
Classification: Uncertain significance for Familial adenomatous polyposis 1. Last evaluated: 2019-05-28. Review status: criteria provided, single submitter. Criteria: Mendelics Assertion Criteria 2017. Collection method: clinical testing. Allele origin: unknown.